The following is an entry in ClinVar:

NM_194248.3(OTOF):c.3723G>A (p.Trp1241Ter)

Gene: OTOF (otoferlin; minus strand). Cytogenetic location: 2p23.3.
Variant type: single nucleotide variant.
Coding change: c.3723G>A on transcript NM_194248.3 (MANE Select); coding-DNA position 3723, G replaced by A.
Protein change: p.Trp1241Ter; replaces tryptophan 1241 with a stop codon.
Molecular consequence: nonsense.
Genome position (GRCh38, 1-based): chr2:26,473,142, C>T on the plus strand (G>A on the coding strand, the complement: OTOF is on the minus strand). VCF-style: chr2-26473142-C-T. GRCh37 (hg19) VCF-style: chr2-26696010-C-T.
Other names: c.3723G>A, p.Trp1241Ter (NM_001287489.2); c.1482G>A, p.Trp494Ter (NM_004802.4, NM_194323.3); c.1653G>A, p.Trp551Ter (NM_194322.3); short protein forms W1241*, W494*, W551*.
Identifiers: ClinVar variation 4879932 (VCV004879932.1).

ClinVar aggregate classification (germline): Pathogenic (0 of 4 stars; one submission).

Conditions:
Autosomal recessive nonsyndromic hearing loss 9. Also called: NEUROSENSORY NONSYNDROMIC RECESSIVE DEAFNESS 9; OTOF-Related Hearing Loss; Deafness, autosomal recessive 9; AUDITORY NEUROPATHY, AUTOSOMAL RECESSIVE, 1, TEMPERATURE-SENSITIVE. Identifiers: Orphanet 90636, MedGen C1832828, MONDO:0010986, OMIM 601071.

Submission:

Diagnosis and Treatment Center of Genetic Hearing Loss, Eye & ENT Hospital of Fudan University
Classification: Pathogenic for Autosomal recessive nonsyndromic hearing loss 9. Last evaluated: 2026-02-04. Review status: no assertion criteria provided. Collection method: clinical testing. Allele origin: germline. Inheritance: Autosomal recessive inheritance. Affected: yes.
Comment: The c.3723G>A nonsense variant in OTOF leads to a premature stop codon and predicted NMD (PVS1). It is absent from population databases (PM2_Supporting). It was found in trans with pathogenic c.2215-1G>C (PM3). The phenotype is consistent with auditory neuropathy (PP4).